The following is an entry in ClinVar:

ClinVar aggregate classification (germline): Uncertain significance (1 of 4 stars; one submission).

gnomAD v4.1: 4 of 1,614,144 alleles (0.00025%); highest among the groups gnomAD compares: Middle Eastern, 0.017%; no homozygotes.

Submission:

Ambry Genetics
Classification: Uncertain significance. Last evaluated: 2025-02-05. Review status: criteria provided, single submitter. Criteria: Ambry Variant Classification Scheme 2023. Collection method: clinical testing. Allele origin: germline.
Comment: The p.I565T variant (also known as c.1694T>C), located in coding exon 1 of the TET2 gene, results from a T to C substitution at nucleotide position 1694. The isoleucine at codon 565 is replaced by threonine, an amino acid with similar properties. This amino acid position is conserved. In addition, the in silico prediction for this alteration is inconclusive. Based on the available evidence, the clinical significance of this variant remains unclear.

NM_001127208.3(TET2):c.1694T>C (p.Ile565Thr)

Genes: TET2 (tet methylcytosine dioxygenase 2; plus strand), TET2-AS1 (TET2 antisense RNA 1; minus strand). Cytogenetic location: 4q24.
Variant type: single nucleotide variant.
Coding change: c.1694T>C on transcript NM_001127208.3 (MANE Select); coding-DNA position 1694, T replaced by C.
Protein change: p.Ile565Thr; replaces isoleucine 565 with threonine.
Molecular consequence: missense variant.
Genome position (GRCh38, 1-based): chr4:105,235,636, T>C. VCF-style: chr4-105235636-T-C. GRCh37 (hg19) VCF-style: chr4-106156793-T-C.
Other names: c.1694T>C, p.Ile565Thr (NM_017628.4); short protein forms I565T.
Identifiers: ClinVar variation 3806030 (VCV003806030.1).